The following is an entry in ClinVar:

ClinVar aggregate classification (germline): Uncertain significance (1 of 4 stars; one submission).

Conditions:
Joubert syndrome 23 (JBTS23). Identifiers: Orphanet 475, MedGen C4084822, MONDO:0014664, OMIM 616490.
Short-rib thoracic dysplasia 14 with polydactyly (SRTD14). Identifiers: Orphanet 397715, MedGen C4225286, MONDO:0014688, OMIM 616546.

Allele frequency attached by ClinVar (database versions not stated): gnomAD 0.00001; gnomAD exomes 0.00001 and 0.00002; TOPMed 0.00001.
gnomAD v4.1: 3 of 440,820 alleles (0.00068%); highest among the groups gnomAD compares: Admixed American, 0.005%; no homozygotes.

Submission:

Labcorp Genetics (formerly Invitae), Labcorp
Classification: Uncertain significance for Joubert syndrome 23; Short-rib thoracic dysplasia 14 with polydactyly. Last evaluated: 2022-07-12. Review status: criteria provided, single submitter. Criteria: Invitae Variant Classification Sherloc (09022015). Collection method: clinical testing. Allele origin: germline.
Comment: In summary, the available evidence is currently insufficient to determine the role of this variant in disease. Therefore, it has been classified as a Variant of Uncertain Significance. Algorithms developed to predict the effect of missense changes on protein structure and function are either unavailable or do not agree on the potential impact of this missense change (SIFT: "Deleterious"; PolyPhen-2: "Benign"; Align-GVGD: "Class C0"). ClinVar contains an entry for this variant (Variation ID: 1484192). This variant has not been reported in the literature in individuals affected with KIAA0586-related conditions. This sequence change replaces tyrosine, which is neutral and polar, with cysteine, which is neutral and slightly polar, at codon 171 of the KIAA0586 protein (p.Tyr171Cys). This variant is present in population databases (no rsID available, gnomAD 0.009%).

NM_001329943.3(KIAA0586):c.411-1420A>G

Gene: KIAA0586 (KIAA0586; plus strand). Cytogenetic location: 14q23.1.
Variant type: single nucleotide variant.
Coding change: c.411-1420A>G on transcript NM_001329943.3 (MANE Select); 1420 bases into the intron before coding-DNA position 411, A replaced by G.
Molecular consequence: intron variant. On other transcripts: missense variant (2).
Genome position (GRCh38, 1-based): chr14:58,441,286, A>G. VCF-style: chr14-58441286-A-G. GRCh37 (hg19) VCF-style: chr14-58908004-A-G.
Other names: c.512A>G, p.Tyr171Cys (NM_001244189.2); c.221A>G, p.Tyr74Cys (NM_001244192.2); c.366-1420A>G (NM_001244190.2); c.156-1420A>G (NM_001244191.2, NM_001364701.2, NM_001329945.2 and 1 more transcripts); c.411-1420A>G (NM_001329944.2, NM_001329946.2, NM_001329947.2 and 1 more transcripts); c.-10-1420A>G (NM_001244193.2); short protein forms Y74C, Y171C.
Identifiers: ClinVar variation 1484192 (VCV001484192.9), dbSNP rs1037899594, ClinGen allele CA261610336.